The following is an entry in ClinVar:

NM_005458.8(GABBR2):c.1857C>A (p.Asp619Glu)

Gene: GABBR2 (gamma-aminobutyric acid type B receptor subunit 2; minus strand). Cytogenetic location: 9q22.33.
Variant type: single nucleotide variant.
Coding change: c.1857C>A on transcript NM_005458.8 (MANE Select); coding-DNA position 1857, C replaced by A.
Protein change: p.Asp619Glu; replaces aspartic acid 619 with glutamic acid.
Molecular consequence: missense variant.
Genome position (GRCh38, 1-based): chr9:98,362,751, G>T on the plus strand (C>A on the coding strand, the complement: GABBR2 is on the minus strand). VCF-style: chr9-98362751-G-T. GRCh37 (hg19) VCF-style: chr9-101125033-G-T.
Other names: short protein forms D619E.
Identifiers: ClinVar variation 4737075 (VCV004737075.1).

ClinVar aggregate classification (germline): Uncertain significance (1 of 4 stars; one submission).

Conditions:
Epileptic encephalopathy. Identifiers: MedGen C0543888, HP:0200134.

gnomAD v4.1: 3 of 1,603,990 alleles (0.00019%); highest among the groups gnomAD compares: Non-Finnish European, 0.00026%; no homozygotes.

Submission:

Labcorp Genetics (formerly Invitae), Labcorp
Classification: Uncertain significance for Epileptic encephalopathy. Last evaluated: 2025-08-13. Review status: criteria provided, single submitter. Criteria: Invitae Variant Classification Sherloc (09022015). Collection method: clinical testing. Allele origin: germline.
Comment: This sequence change replaces aspartic acid, which is acidic and polar, with glutamic acid, which is acidic and polar, at codon 619 of the GABBR2 protein (p.Asp619Glu). This variant is not present in population databases (gnomAD no frequency). This variant has not been reported in the literature in individuals affected with GABBR2-related conditions. Invitae Evidence Modeling of protein sequence and biophysical properties (such as structural, functional, and spatial information, amino acid conservation, physicochemical variation, residue mobility, and thermodynamic stability) indicates that this missense variant is expected to disrupt GABBR2 protein function with a positive predictive value of 80%. In summary, the available evidence is currently insufficient to determine the role of this variant in disease. Therefore, it has been classified as a Variant of Uncertain Significance.